The following is an entry in ClinVar:

NM_001386298.1(CIC):c.4795C>T (p.Pro1599Ser)

Gene: CIC (capicua transcriptional repressor; plus strand). Cytogenetic location: 19q13.2.
Variant type: single nucleotide variant.
Coding change: c.4795C>T on transcript NM_001386298.1 (MANE Select); coding-DNA position 4795, C replaced by T.
Protein change: p.Pro1599Ser; replaces proline 1599 with serine.
Molecular consequence: missense variant.
Genome position (GRCh38, 1-based): chr19:42,290,836, C>T. VCF-style: chr19-42290836-C-T. GRCh37 (hg19) VCF-style: chr19-42794988-C-T.
Other names: c.4795C>T, p.Pro1599Ser (NM_001304815.2, NM_001379480.1, NM_001379482.1 and 6 more transcripts); c.2068C>T, p.Pro690Ser (NM_001379484.1, NM_001379485.1, NM_001439189.1 and 3 more transcripts); short protein forms P1599S, P690S.
Identifiers: ClinVar variation 4883575 (VCV004883575.2).

ClinVar aggregate classification (germline): Uncertain significance (1 of 4 stars; one submission).

Conditions:
Intellectual developmental disorder, autosomal dominant 45. Also called: MENTAL RETARDATION, AUTOSOMAL DOMINANT 45; Intellectual disability, autosomal dominant 45. Identifiers: MedGen C4539848, MONDO:0030910, OMIM 617600.

gnomAD v4.1: 1 of 1,609,908 alleles (0.000062%); highest among the groups gnomAD compares: Non-Finnish European, 0.000085%; no homozygotes.

Submission:

Dasa
Classification: Uncertain significance for Intellectual developmental disorder, autosomal dominant 45. Last evaluated: 2025-09-03. Review status: criteria provided, single submitter. Criteria: DASA Assertion Criteria. Collection method: clinical testing. Allele origin: germline.
Comment: NM_001386298.1(CIC):c.4795C>T (p.Pro1599Ser) is a missense variant that results in the substitution of proline with serine. This variant is rare in population databases. Computational prediction algorithms are consistent with a benign effect. The currently available literature and clinical evidence are not sufficient to establish a definitive association between this variant and the reported condition. Therefore, this variant is classified as a variant of uncertain significance.